The following is an entry in ClinVar:

NM_006765.4(TUSC3):c.*993T>C

Gene: TUSC3 (tumor suppressor candidate 3; plus strand). Cytogenetic location: 8p22.
Variant type: single nucleotide variant.
Coding change: c.*993T>C on transcript NM_006765.4 (MANE Select); 993 bases downstream of the stop codon, T replaced by C.
Molecular consequence: 3 prime UTR variant.
Genome position (GRCh38, 1-based): chr8:15,765,149, T>C. VCF-style: chr8-15765149-T-C. GRCh37 (hg19) VCF-style: chr8-15622658-T-C.
Other names: c.*931T>C (NM_178234.2).
Identifiers: ClinVar variation 362323 (VCV000362323.6), dbSNP rs2278947, ClinGen allele CA10630565.
Genomic context (GRCh38, chr8:15,765,149, plus strand): 5'-TGTAATGTACTATTATGTTTGTATCCTGTTTTAGTTTATAAAGCACTTTCACATACATTA[T>C]GGTATTTCTTCCTCACAATAACCTTGTAAATTAGTCAGGAAATGTAAATTTTATCTGACT-3'

ClinVar aggregate classification (germline): Benign. Review status: criteria provided, multiple submitters, no conflicts (2 of 4 stars). 2 submissions from 2 submitters: Benign (2). Last evaluated 2018-01-12.

Conditions:
Congenital disorder of glycosylation (CDG). Also called: Carbohydrate-deficient glycoprotein syndrome; Congenital disorders of glycosylation. Identifiers: Orphanet 137, MedGen C0282577, MONDO:0015286.

Allele frequency attached by ClinVar (database versions not stated): gnomAD 0.17155 and 0.17419; TOPMed 0.17472; 1000 Genomes Project 30x 0.18285; 1000 Genomes Project 0.18710.

Submissions (2):

Illumina Laboratory Services, Illumina
Classification: Benign for Congenital disorder of glycosylation. Last evaluated: 2018-01-12. Review status: criteria provided, single submitter. Criteria: ICSL Variant Classification Criteria 13 December 2019. Collection method: clinical testing. Allele origin: germline.
Comment: This variant was observed in the ICSL laboratory as part of a predisposition screen in an ostensibly healthy population. It had not been previously curated by ICSL or reported in the Human Gene Mutation Database (HGMD: prior to June 1st, 2018), and was therefore a candidate for classification through an automated scoring system. Utilizing variant allele frequency, disease prevalence and penetrance estimates, and inheritance mode, an automated score was calculated to assess if this variant is too frequent to cause the disease. Based on the score and internal cut-off values, a variant classified as benign is not then subjected to further curation. The score for this variant resulted in a classification of benign for this disease.

Breakthrough Genomics
Classification: Benign. Review status: criteria provided, single submitter. Criteria: ACMG Guidelines, 2015. Collection method: not provided. Allele origin: germline. Inheritance: Autosomal recessive inheritance. Affected: yes.